The following is an entry in ClinVar:

NM_004525.3(LRP2):c.5548C>T (p.Leu1850Phe)

Gene: LRP2 (LDL receptor related protein 2; minus strand). Cytogenetic location: 2q31.1.
Variant type: single nucleotide variant.
Coding change: c.5548C>T on transcript NM_004525.3 (MANE Select); coding-DNA position 5548, C replaced by T.
Protein change: p.Leu1850Phe; replaces leucine 1850 with phenylalanine.
Molecular consequence: missense variant.
Genome position (GRCh38, 1-based): chr2:169,220,554, G>A on the plus strand (C>T on the coding strand, the complement: LRP2 is on the minus strand). VCF-style: chr2-169220554-G-A. GRCh37 (hg19) VCF-style: chr2-170077064-G-A.
Other names: short protein forms L1850F.
Identifiers: ClinVar variation 2022478 (VCV002022478.3), dbSNP rs1574147840, ClinGen allele CA349138171.

ClinVar aggregate classification (germline): Uncertain significance (1 of 4 stars; one submission).

Submission:

Labcorp Genetics (formerly Invitae), Labcorp
Classification: Uncertain significance. Last evaluated: 2022-07-19. Review status: criteria provided, single submitter. Criteria: Invitae Variant Classification Sherloc (09022015). Collection method: clinical testing. Allele origin: germline.
Comment: In summary, the available evidence is currently insufficient to determine the role of this variant in disease. Therefore, it has been classified as a Variant of Uncertain Significance. Advanced modeling of protein sequence and biophysical properties (such as structural, functional, and spatial information, amino acid conservation, physicochemical variation, residue mobility, and thermodynamic stability) performed at Invitae indicates that this missense variant is expected to disrupt LRP2 protein function. This variant has not been reported in the literature in individuals affected with LRP2-related conditions. This variant is not present in population databases (gnomAD no frequency). This sequence change replaces leucine, which is neutral and non-polar, with phenylalanine, which is neutral and non-polar, at codon 1850 of the LRP2 protein (p.Leu1850Phe).